The following is an entry in ClinVar:

NM_017777.4(MKS1):c.763G>T (p.Gly255Trp)

Gene: MKS1 (MKS transition zone complex subunit 1; minus strand). Cytogenetic location: 17q22.
Variant type: single nucleotide variant.
Coding change: c.763G>T on transcript NM_017777.4 (MANE Select); coding-DNA position 763, G replaced by T.
Protein change: p.Gly255Trp; replaces glycine 255 with tryptophan.
Molecular consequence: missense variant.
Genome position (GRCh38, 1-based): chr17:58,213,077, C>A on the plus strand (G>T on the coding strand, the complement: MKS1 is on the minus strand). VCF-style: chr17-58213077-C-A. GRCh37 (hg19) VCF-style: chr17-56290438-C-A.
Other names: c.154G>T, p.Gly52Trp (NM_001321268.2); c.763G>T, p.Gly255Trp (NM_001321269.2, NM_001330397.2); short protein forms G255W, G52W.
Identifiers: ClinVar variation 324163 (VCV000324163.10), dbSNP rs201237547, ClinGen allele CA8669414.
Genomic context (GRCh38, chr17:58,213,077, plus strand): 5'-CCGGCTGTGCGTGGGGGGAAACATTGTCGATCGTATATTTCCACAGCTCCTGCTTCTCCC[C>A]CTCCGTCTCAATCCTGTAAGGTCAAAACCACAGAAAGGAGCAACTCTAATAATGAGAGAT-3'
Protein context (NP_060247.2, residues 245-265): LKGPYRIETE[Gly255Trp]EKQELWKYTI

ClinVar aggregate classification (germline): Uncertain significance. Review status: criteria provided, multiple submitters, no conflicts (2 of 4 stars). 6 submissions from 5 submitters: Uncertain significance (6). Last evaluated 2026-08-18.

Conditions:
MKS1-related disorder. Also called: MKS1-related disorders; MKS1-related condition. Identifiers: MedGen CN239382.
Inborn genetic diseases. Identifiers: MedGen C0950123, MeSH D030342.
Joubert syndrome. Also called: Familial aplasia of the vermis; JOUBERT-BOLTSHAUSER SYNDROME. Identifiers: Orphanet 475, MedGen C5979921, MONDO:0018772.
Meckel-Gruber syndrome. Also called: DYSENCEPHALIA SPLANCHNOCYSTICA; GRUBER SYNDROME; Dysencephalia splachnocystica. Identifiers: Orphanet 564, MedGen C0265215, MONDO:0018921.
Bardet-Biedl syndrome 13 (BBS13). Identifiers: Orphanet 110, MedGen C2673873, MONDO:0014441, OMIM 615990.
Meckel syndrome, type 1 (MKS1). Also called: MECKEL-GRUBER SYNDROME, TYPE 1. Identifiers: Orphanet 564, MedGen C3714506, MONDO:0009571, OMIM 249000.

Allele frequency attached by ClinVar (database versions not stated): TOPMed 0.00004; 1000 Genomes Project 30x 0.00016; 1000 Genomes Project 0.00020.
gnomAD v4.1: 68 of 1,614,184 alleles (0.0042%); highest among the groups gnomAD compares: South Asian, 0.026%; no homozygotes.

Submissions (6):

PreventionGenetics, part of Exact Sciences
Classification: Uncertain significance for MKS1-related condition. Last evaluated: 2026-08-18. Review status: criteria provided, single submitter. Criteria: ACMG Guidelines, 2015. Collection method: clinical testing. Allele origin: germline.
Comment: The MKS1 c.763G>T variant is predicted to result in the amino acid substitution p.Gly255Trp. To our knowledge, this variant has not been reported in the literature. This variant is reported in 0.023% of alleles in individuals of South Asian descent in gnomAD. At this time, the clinical significance of this variant is uncertain due to the absence of conclusive functional and genetic evidence.

Ambry Genetics
Classification: Uncertain significance for Inborn genetic diseases. Last evaluated: 2023-12-14. Review status: criteria provided, single submitter. Criteria: Ambry Variant Classification Scheme 2023. Collection method: clinical testing. Allele origin: germline.

Blueprint Genetics
Classification: Uncertain significance. Last evaluated: 2022-06-14. Review status: criteria provided, single submitter. Criteria: ACMG Guidelines, 2015. Collection method: clinical testing. Allele origin: germline.

Labcorp Genetics (formerly Invitae), Labcorp
Classification: Uncertain significance for Joubert syndrome; Meckel-Gruber syndrome. Last evaluated: 2021-08-30. Review status: criteria provided, single submitter. Criteria: Invitae Variant Classification Sherloc (09022015). Collection method: clinical testing. Allele origin: germline.
Comment: This sequence change replaces glycine with tryptophan at codon 255 of the MKS1 protein (p.Gly255Trp). The glycine residue is highly conserved and there is a large physicochemical difference between glycine and tryptophan. This variant is present in population databases (rs201237547, ExAC 0.04%). This variant has not been reported in the literature in individuals affected with MKS1-related conditions. ClinVar contains an entry for this variant (Variation ID: 324163). Algorithms developed to predict the effect of missense changes on protein structure and function are either unavailable or do not agree on the potential impact of this missense change (SIFT: "Deleterious"; PolyPhen-2: "Benign"; Align-GVGD: "Class C25"). In summary, the available evidence is currently insufficient to determine the role of this variant in disease. Therefore, it has been classified as a Variant of Uncertain Significance.

Illumina Laboratory Services, Illumina
Classification: Uncertain significance for Meckel syndrome, type 1. Last evaluated: 2018-01-12. Review status: criteria provided, single submitter. Criteria: ICSL Variant Classification Criteria 13 December 2019. Collection method: clinical testing. Allele origin: germline.

Illumina Laboratory Services, Illumina
Classification: Uncertain significance for Bardet-Biedl syndrome 13. Last evaluated: 2018-01-12. Review status: criteria provided, single submitter. Criteria: ICSL Variant Classification Criteria 13 December 2019. Collection method: clinical testing. Allele origin: germline.